The following is an entry in ClinVar:

ClinVar aggregate classification (germline): Benign/Likely benign. Review status: criteria provided, multiple submitters, no conflicts (2 of 4 stars). 6 submissions from 6 submitters: Benign (1); Likely benign (4). 1 of the submissions does not count toward it. Last evaluated 2026-02-01.

Conditions:
LMNB2-related disorder. Also called: LMNB2-related condition.
Lipodystrophy, partial, acquired, susceptibility to (APLD). Also called: APLD, SUSCEPTIBILITY TO. Identifiers: MedGen C3887501, MONDO:0100476, OMIM 608709.
Progressive myoclonic epilepsy type 9. Identifiers: Orphanet 457265, MedGen C4225289, MONDO:0014685, OMIM 616540.

Allele frequency attached by ClinVar (database versions not stated): TOPMed 0.00003; gnomAD 0.00004 and 0.00006; gnomAD exomes 0.00007 and 0.00013; ExAC 0.00010; 1000 Genomes Project 30x 0.00047; 1000 Genomes Project 0.00060.
gnomAD v4.1: 106 of 1,611,700 alleles (0.0066%); highest among the groups gnomAD compares: Middle Eastern, 0.36%; 1 homozygote.

Submissions (6):

Labcorp Genetics (formerly Invitae), Labcorp
Classification: Likely benign for Progressive myoclonic epilepsy type 9; Lipodystrophy, partial, acquired, susceptibility to. Last evaluated: 2026-02-01. Review status: criteria provided, single submitter. Criteria: Invitae Variant Classification Sherloc (09022015). Collection method: clinical testing. Allele origin: germline.

Athena Diagnostics
Classification: Benign. Last evaluated: 2024-12-09. Review status: criteria provided, single submitter. Criteria: Athena Diagnostics Criteria. Collection method: clinical testing. Allele origin: unknown.
Comment: The frequency of this variant in the general population is higher than would generally be expected for pathogenic variants in this gene. Computational tools yielded predictions that this variant is unlikely to have an effect on normal RNA splicing. This nucleotide position exhibits low evolutionary conservation.

Ambry Genetics
Classification: Likely benign. Last evaluated: 2024-02-17. Review status: criteria provided, single submitter. Criteria: Ambry Variant Classification Scheme 2023. Collection method: clinical testing. Allele origin: germline.

Blueprint Genetics
Classification: Likely benign. Last evaluated: 2023-10-18. Review status: criteria provided, single submitter. Criteria: ACMG Guidelines, 2015. Collection method: clinical testing. Allele origin: germline.

CeGaT Center for Human Genetics Tuebingen
Classification: Likely benign. Last evaluated: 2023-03-01. Review status: criteria provided, single submitter. Criteria: CeGaT Center For Human Genetics Tuebingen Variant Classification Criteria Version 2. Collection method: clinical testing. Allele origin: germline. Affected: yes. Observed: 1 variant allele.
Comment: LMNB2: BP4, BP7

PreventionGenetics, part of Exact Sciences
Classification: Likely benign for LMNB2-related condition. Last evaluated: 2019-06-21. Review status: no assertion criteria provided. Collection method: clinical testing. Allele origin: germline. Not counted in ClinVar's aggregate classification.
Comment: This variant is classified as likely benign based on ACMG/AMP sequence variant interpretation guidelines (Richards et al. 2015 PMID: 25741868, with internal and published modifications).

NM_032737.4(LMNB2):c.288C>T (p.Tyr96=)

Gene: LMNB2 (lamin B2; minus strand). Cytogenetic location: 19p13.3.
Variant type: single nucleotide variant.
Coding change: c.288C>T on transcript NM_032737.4 (MANE Select); coding-DNA position 288, C replaced by T.
Protein change: p.Tyr96=; no amino-acid change (tyrosine 96 retained).
Molecular consequence: synonymous variant.
Genome position (GRCh38, 1-based): chr19:2,444,517, G>A on the plus strand (C>T on the coding strand, the complement: LMNB2 is on the minus strand). VCF-style: chr19-2444517-G-A. GRCh37 (hg19) VCF-style: chr19-2444515-G-A.
Other names: c.228C>T (NM_032737.2).
Identifiers: ClinVar variation 784896 (VCV000784896.38), dbSNP rs201605408, ClinGen allele CA9067945.